The following is an entry in ClinVar:

ClinVar aggregate classification (germline): Conflicting classifications of pathogenicity. Review status: criteria provided, conflicting classifications (1 of 4 stars). 4 submissions from 4 submitters: Uncertain significance (2); Likely benign (2). Last evaluated 2025-12-19.

Conditions:
Cardiomyopathy, familial hypertrophic 27. Identifiers: MedGen C4748014, MONDO:0054838, OMIM 618052.
Cardiovascular phenotype. Identifiers: MedGen CN230736.

Allele frequency attached by ClinVar (database versions not stated): gnomAD 0.00002 and 0.00003; TOPMed 0.00004; 1000 Genomes Project 0.00020; 1000 Genomes Project 30x 0.00031.
gnomAD v4.1: 47 of 1,614,174 alleles (0.0029%); highest among the groups gnomAD compares: East Asian, 0.1%; no homozygotes.

Submissions (4):

Labcorp Genetics (formerly Invitae), Labcorp
Classification: Uncertain significance. Last evaluated: 2025-12-19. Review status: criteria provided, single submitter. Criteria: Invitae Variant Classification Sherloc (09022015). Collection method: clinical testing. Allele origin: germline.
Comment: This sequence change replaces serine, which is neutral and polar, with cysteine, which is neutral and slightly polar, at codon 1597 of the ALPK3 protein (p.Ser1597Cys). This variant is present in population databases (rs192472249, gnomAD 0.06%). This missense change has been observed in individual(s) with hypertrophic cardiomyopathy (PMID: 30847666). ClinVar contains an entry for this variant (Variation ID: 1425870). Invitae Evidence Modeling of protein sequence and biophysical properties (such as structural, functional, and spatial information, amino acid conservation, physicochemical variation, residue mobility, and thermodynamic stability) indicates that this missense variant is expected to disrupt ALPK3 protein function with a positive predictive value of 80%. In summary, the available evidence is currently insufficient to determine the role of this variant in disease. Therefore, it has been classified as a Variant of Uncertain Significance.

Ambry Genetics
Classification: Likely benign for Cardiovascular phenotype. Last evaluated: 2025-01-15. Review status: criteria provided, single submitter. Criteria: Ambry Variant Classification Scheme 2023. Collection method: clinical testing. Allele origin: germline.

Blueprint Genetics
Classification: Likely benign. Last evaluated: 2024-02-27. Review status: criteria provided, single submitter. Criteria: ACMG Guidelines, 2015. Collection method: clinical testing. Allele origin: germline.

Victorian Clinical Genetics Services, Murdoch Childrens Research Institute
Classification: Uncertain significance for Cardiomyopathy, familial hypertrophic 27. Last evaluated: 2022-02-02. Review status: criteria provided, single submitter. Criteria: ACMG Guidelines, 2015. Collection method: clinical testing. Allele origin: germline. Affected: yes.
Comment: Based on the classification scheme VCGS_Germline_v1.3.4, this variant is classified as VUS-3B. Following criteria are met: 0102 - Loss of function is a known mechanism of disease in this gene and is associated with familial hypertrophic cardiomyopathy 27 (MIM#618052). (I) 0106 - This gene is associated with autosomal recessive disease. However, emerging evidence supports autosomal dominant inheritance in adults with age-dependent penetrance (PMID: 32480058, PMID: 34263907). (I) 0200 - Variant is predicted to result in a missense amino acid change from serine to cysteine. (I) 0251 - This variant is heterozygous. (I) 0304 - Variant is present in gnomAD (v2) <0.01 for a recessive condition (12 heterozygotes, 0 homozygotes). (SP) 0502 - Missense variant with conflicting in silico predictions and uninformative conservation. (I) 0600 - Variant is located in the annotated alpha kinase superfamily domain (NCBI). (I) 0705 - No comparable missense variants have previous evidence for pathogenicity. (I) 0809 - Previous evidence of pathogenicity for this variant is inconclusive. This variant has been reported as a VUS, and observed once in a large cohort with cardiomyopathy (PMID: 30847666, LOVD). (I) 0905 - No published segregation evidence has been identified for this variant. (I) 1007 - No published functional evidence has been identified for this variant. (I) 1208 - Inheritance information for this variant is not currently available in this individual. (I) Legend: (SP) - Supporting pathogenic, (I) - Information, (SB) - Supporting benign

Literature cited by the submitters: PubMed 30847666 (cited by 3 submitters); PubMed 32480058 (cited by Victorian Clinical Genetics Services, Murdoch Childrens Research Institute); PubMed 34263907 (cited by Victorian Clinical Genetics Services, Murdoch Childrens Research Institute).

NM_020778.5(ALPK3):c.4184C>G (p.Ser1395Cys)

Gene: ALPK3 (alpha kinase 3; plus strand). Cytogenetic location: 15q25.3.
Variant type: single nucleotide variant.
Coding change: c.4184C>G on transcript NM_020778.5 (MANE Select); coding-DNA position 4184, C replaced by G.
Protein change: p.Ser1395Cys; replaces serine 1395 with cysteine.
Molecular consequence: missense variant.
Genome position (GRCh38, 1-based): chr15:84,862,689, C>G. VCF-style: chr15-84862689-C-G. GRCh37 (hg19) VCF-style: chr15-85405920-C-G.
Other names: short protein forms S1395C.
Identifiers: ClinVar variation 1425870 (VCV001425870.12), dbSNP rs192472249, ClinGen allele CA7709891.